The following is an entry in ClinVar:

ClinVar aggregate classification (germline): Uncertain significance (1 of 4 stars; one submission).

Conditions:
Congenital myasthenic syndrome 10. Also called: Myasthenia, limb-girdle, familial. Identifiers: Orphanet 590, MedGen C1850792, MONDO:0009690, OMIM 254300.
Fetal akinesia deformation sequence 1 (FADS1). Also called: Pena-Shokeir syndrome type I; Fetal akinesia sequence. Identifiers: Orphanet 994, MedGen C1276035, MONDO:0100101, OMIM 208150, HP:0001989.

gnomAD v4.1: 2 of 1,595,966 alleles (0.00013%); highest among the groups gnomAD compares: Admixed American, 0.0035%; no homozygotes.

Submission:

Labcorp Genetics (formerly Invitae), Labcorp
Classification: Uncertain significance for Congenital myasthenic syndrome 10; Fetal akinesia deformation sequence 1. Last evaluated: 2022-07-05. Review status: criteria provided, single submitter. Criteria: Invitae Variant Classification Sherloc (09022015). Collection method: clinical testing. Allele origin: germline.
Comment: This variant is present in population databases (no rsID available, gnomAD 0.007%). This sequence change replaces glutamic acid, which is acidic and polar, with glutamine, which is neutral and polar, at codon 463 of the DOK7 protein (p.Glu463Gln). This variant has not been reported in the literature in individuals affected with DOK7-related conditions. ClinVar contains an entry for this variant (Variation ID: 1411005). Algorithms developed to predict the effect of missense changes on protein structure and function are either unavailable or do not agree on the potential impact of this missense change (SIFT: "Deleterious"; PolyPhen-2: "Benign"; Align-GVGD: "Class C0"). In summary, the available evidence is currently insufficient to determine the role of this variant in disease. Therefore, it has been classified as a Variant of Uncertain Significance.

NM_173660.5(DOK7):c.1387G>C (p.Glu463Gln)

Gene: DOK7 (docking protein 7; plus strand). Cytogenetic location: 4p16.3.
Variant type: single nucleotide variant.
Coding change: c.1387G>C on transcript NM_173660.5 (MANE Select); coding-DNA position 1387, G replaced by C.
Protein change: p.Glu463Gln; replaces glutamic acid 463 with glutamine.
Molecular consequence: missense variant. On other transcripts: 3 prime UTR variant (1).
Genome position (GRCh38, 1-based): chr4:3,493,373, G>C. VCF-style: chr4-3493373-G-C. GRCh37 (hg19) VCF-style: chr4-3495100-G-C.
Other names: c.*608G>C (NM_001164673.2); c.457G>C, p.Glu153Gln (NM_001256896.2); c.1387G>C, p.Glu463Gln (NM_001301071.2); c.955G>C, p.Glu319Gln (NM_001363811.2); short protein forms E153Q, E463Q, E319Q.
Identifiers: ClinVar variation 1411005 (VCV001411005.8), dbSNP rs745941308, ClinGen allele CA356117873.